The following is an entry in ClinVar:

NM_004247.4(EFTUD2):c.1337A>G (p.Lys446Arg)

Gene: EFTUD2 (elongation factor Tu GTP binding domain containing 2; minus strand). Cytogenetic location: 17q21.31.
Variant type: single nucleotide variant.
Coding change: c.1337A>G on transcript NM_004247.4 (MANE Select); coding-DNA position 1337, A replaced by G.
Protein change: p.Lys446Arg; replaces lysine 446 with arginine.
Molecular consequence: missense variant.
Genome position (GRCh38, 1-based): chr17:44,863,731, T>C on the plus strand (A>G on the coding strand, the complement: EFTUD2 is on the minus strand). VCF-style: chr17-44863731-T-C. GRCh37 (hg19) VCF-style: chr17-42941099-T-C.
Other names: c.1232A>G, p.Lys411Arg (NM_001142605.2); c.1337A>G, p.Lys446Arg (NM_001258353.2); c.1307A>G, p.Lys436Arg (NM_001258354.2); short protein forms K411R, K436R, K446R.
Identifiers: ClinVar variation 4083228 (VCV004083228.1).

ClinVar aggregate classification (germline): Uncertain significance (1 of 4 stars; one submission).

Submission:

GeneDx
Classification: Uncertain significance. Last evaluated: 2025-03-12. Review status: criteria provided, single submitter. Criteria: GeneDx Variant Classification Process June 2021. Collection method: clinical testing. Allele origin: germline. Affected: yes.
Comment: Has not been previously published as pathogenic or benign to our knowledge; Not observed at significant frequency in large population cohorts (gnomAD); In silico analysis indicates that this missense variant does not alter protein structure/function